The following is an entry in ClinVar:

ClinVar aggregate classification (germline): Uncertain significance. Review status: criteria provided, multiple submitters, no conflicts (2 of 4 stars). 2 submissions from 2 submitters: Uncertain significance (2). Last evaluated 2025-09-01.

Conditions:
Inborn genetic diseases. Identifiers: MedGen C0950123, MeSH D030342.
Baller-Gerold syndrome (BGS). Also called: CRANIOSYNOSTOSIS WITH RADIAL DEFECTS. Identifiers: Orphanet 1225, MedGen C0265308, MONDO:0009039, OMIM 218600.

Allele frequency attached by ClinVar (database versions not stated): gnomAD exomes below 0.00001.
gnomAD v4.1: 3 of 1,612,384 alleles (0.00019%); highest among the groups gnomAD compares: Non-Finnish European, 0.00025%; no homozygotes.

Submissions (2):

Labcorp Genetics (formerly Invitae), Labcorp
Classification: Uncertain significance for Baller-Gerold syndrome. Last evaluated: 2025-09-01. Review status: criteria provided, single submitter. Criteria: Invitae Variant Classification Sherloc (09022015). Collection method: clinical testing. Allele origin: germline.
Comment: This sequence change replaces proline, which is neutral and non-polar, with leucine, which is neutral and non-polar, at codon 619 of the RECQL4 protein (p.Pro619Leu). This variant is not present in population databases (gnomAD no frequency). This variant has not been reported in the literature in individuals affected with RECQL4-related conditions. ClinVar contains an entry for this variant (Variation ID: 960331). Invitae Evidence Modeling of protein sequence and biophysical properties (such as structural, functional, and spatial information, amino acid conservation, physicochemical variation, residue mobility, and thermodynamic stability) indicates that this missense variant is expected to disrupt RECQL4 protein function with a positive predictive value of 80%. In summary, the available evidence is currently insufficient to determine the role of this variant in disease. Therefore, it has been classified as a Variant of Uncertain Significance.

Ambry Genetics
Classification: Uncertain significance for Inborn genetic diseases. Last evaluated: 2024-11-18. Review status: criteria provided, single submitter. Criteria: Ambry Variant Classification Scheme 2023. Collection method: clinical testing. Allele origin: germline.
Comment: The p.P619L variant (also known as c.1856C>T), located in coding exon 11 of the RECQL4 gene, results from a C to T substitution at nucleotide position 1856. The proline at codon 619 is replaced by leucine, an amino acid with similar properties. This amino acid position is conserved. In addition, this alteration is predicted to be deleterious by in silico analysis. Based on the available evidence, the clinical significance of this variant remains unclear.

NM_004260.4(RECQL4):c.1856C>T (p.Pro619Leu)

Gene: RECQL4 (RecQ like helicase 4; minus strand). Cytogenetic location: 8q24.3.
Variant type: single nucleotide variant.
Coding change: c.1856C>T on transcript NM_004260.4 (MANE Select); coding-DNA position 1856, C replaced by T.
Protein change: p.Pro619Leu; replaces proline 619 with leucine.
Molecular consequence: missense variant.
Genome position (GRCh38, 1-based): chr8:144,514,211, G>A on the plus strand (C>T on the coding strand, the complement: RECQL4 is on the minus strand). VCF-style: chr8-144514211-G-A. GRCh37 (hg19) VCF-style: chr8-145739595-G-A.
Other names: short protein forms P619L.
Identifiers: ClinVar variation 960331 (VCV000960331.7), dbSNP rs1586809939, ClinGen allele CA372680618.
Genomic context (GRCh38, chr8:144,514,211, plus strand): 5'-CGGCCCTGGCCGCCCACCCCAGTTCACATATGGCTCACCTTGCAGACGCGCAGGTAGCAG[G>A]GCCGGAAGTTGTGGGACCACTGGGAGAGGCAGTGGGCCTCATCAATGCAGGCAAAAGCAA-3'
Protein context (NP_004251.4, residues 609-629): CLSQWSHNFR[Pro619Leu]CYLRVCKVLR